The following is an entry in ClinVar:

ClinVar aggregate classification (germline): Uncertain significance. Review status: criteria provided, multiple submitters, no conflicts (2 of 4 stars). 3 submissions from 3 submitters: Uncertain significance (3). Last evaluated 2025-12-21.

Conditions:
Ataxia-telangiectasia-like disorder (ATLD). Identifiers: MedGen C1858391, MONDO:0011457.
Hereditary cancer-predisposing syndrome. Also called: Tumor predisposition; Neoplastic Syndromes, Hereditary; Hereditary neoplastic syndrome; Hereditary Cancer Syndrome. Identifiers: Orphanet 140162, MedGen C0027672, MeSH D009386, MONDO:0015356.

Allele frequency attached by ClinVar (database versions not stated): TOPMed below 0.00001; ExAC 0.00001; gnomAD 0.00001; gnomAD exomes 0.00001.
gnomAD v4.1: 6 of 1,612,684 alleles (0.00037%); highest among the groups gnomAD compares: Middle Eastern, 0.016%; no homozygotes.

Submissions (3):

Ambry Genetics
Classification: Uncertain significance for Hereditary cancer-predisposing syndrome. Last evaluated: 2025-12-21. Review status: criteria provided, single submitter. Criteria: Ambry Variant Classification Scheme 2023. Collection method: clinical testing. Allele origin: germline.
Comment: The p.T627I variant (also known as c.1880C>T), located in coding exon 16 of the MRE11A gene, results from a C to T substitution at nucleotide position 1880. The threonine at codon 627 is replaced by isoleucine, an amino acid with similar properties. This amino acid position is poorly conserved in available vertebrate species. In addition, this alteration is predicted to be tolerated by in silico analysis. Since supporting evidence is limited at this time, the clinical significance of this alteration remains unclear.

Blueprint Genetics
Classification: Uncertain significance. Last evaluated: 2024-06-12. Review status: criteria provided, single submitter. Criteria: ACMG Guidelines, 2015. Collection method: clinical testing. Allele origin: germline.

Labcorp Genetics (formerly Invitae), Labcorp
Classification: Uncertain significance for Ataxia-telangiectasia-like disorder. Last evaluated: 2022-01-26. Review status: criteria provided, single submitter. Criteria: Invitae Variant Classification Sherloc (09022015). Collection method: clinical testing. Allele origin: germline.
Comment: This sequence change replaces threonine, which is neutral and polar, with isoleucine, which is neutral and non-polar, at codon 627 of the MRE11 protein (p.Thr627Ile). This variant is present in population databases (rs748847822, gnomAD 0.003%). This variant has not been reported in the literature in individuals affected with MRE11-related conditions. ClinVar contains an entry for this variant (Variation ID: 187499). Algorithms developed to predict the effect of missense changes on protein structure and function (SIFT, PolyPhen-2, Align-GVGD) all suggest that this variant is likely to be tolerated. In summary, the available evidence is currently insufficient to determine the role of this variant in disease. Therefore, it has been classified as a Variant of Uncertain Significance.

NM_005591.4(MRE11):c.1880C>T (p.Thr627Ile)

Gene: MRE11 (MRE11 double strand break repair nuclease; minus strand). Cytogenetic location: 11q21.
Variant type: single nucleotide variant.
Coding change: c.1880C>T on transcript NM_005591.4 (MANE Select); coding-DNA position 1880, C replaced by T.
Protein change: p.Thr627Ile; replaces threonine 627 with isoleucine.
Molecular consequence: missense variant.
Genome position (GRCh38, 1-based): chr11:94,437,223, G>A on the plus strand (C>T on the coding strand, the complement: MRE11 is on the minus strand). VCF-style: chr11-94437223-G-A. GRCh37 (hg19) VCF-style: chr11-94170389-G-A.
Other names: c.1877C>T, p.Thr626Ile (NM_001330347.2); c.1796C>T, p.Thr599Ile (NM_005590.4); short protein forms T627I, T626I, T599I.
Identifiers: ClinVar variation 187499 (VCV000187499.10), dbSNP rs748847822, ClinGen allele CA197800.
Genomic context (GRCh38, chr11:94,437,223, plus strand): 5'-ACTTTTTTTCTTACCTCTGAATAATTCTTAGTAGTGACATTTCGGGAAGGCTGCTGTCTT[G>A]TAGATTTAAAGGCTAGAATGAAAAAGATGAAATGTGCATTATGTTATTCTTAAAATAACT-3'
Protein context (NP_005582.1, residues 617-637): NMSIIDAFKS[Thr627Ile]RQQPSRNVTT